The following is an entry in ClinVar:

ClinVar aggregate classification (germline): Uncertain significance (1 of 4 stars; one submission).

Submission:

GeneDx
Classification: Uncertain significance. Last evaluated: 2022-06-10. Review status: criteria provided, single submitter. Criteria: GeneDx Variant Classification Process June 2021. Collection method: clinical testing. Allele origin: germline. Affected: yes.
Comment: Not observed at significant frequency in large population cohorts (gnomAD); In silico analysis supports that this missense variant does not alter protein structure/function; Has not been previously published as pathogenic or benign to our knowledge

NM_005909.5(MAP1B):c.664G>A (p.Glu222Lys)

Gene: MAP1B (microtubule associated protein 1B; plus strand). Cytogenetic location: 5q13.2.
Variant type: single nucleotide variant.
Coding change: c.664G>A on transcript NM_005909.5 (MANE Select); coding-DNA position 664, G replaced by A.
Protein change: p.Glu222Lys; replaces glutamic acid 222 with lysine.
Molecular consequence: missense variant.
Genome position (GRCh38, 1-based): chr5:72,194,019, G>A. VCF-style: chr5-72194019-G-A. GRCh37 (hg19) VCF-style: chr5-71489846-G-A.
Other names: c.286G>A, p.Glu96Lys (NM_001324255.2); short protein forms E222K, E96K.
Identifiers: ClinVar variation 1803417 (VCV001803417.1), dbSNP rs2478566084, ClinGen allele CA359993646.